The following is an entry in ClinVar:

ClinVar aggregate classification (germline): Uncertain significance (1 of 4 stars; one submission).

Submission:

Ambry Genetics
Classification: Uncertain significance. Last evaluated: 2026-07-27. Review status: criteria provided, single submitter. Criteria: Ambry Variant Classification Scheme 2023. Collection method: clinical testing. Allele origin: germline.
Comment: The p.E385D variant (also known as c.1155A>T), located in coding exon 6 of the GALNT12 gene, results from an A to T substitution at nucleotide position 1155. The glutamic acid at codon 385 is replaced by aspartic acid, an amino acid with highly similar properties. This amino acid position is conserved. In addition, this alteration is predicted to be deleterious by in silico analysis. Based on the available evidence, the clinical significance of this variant remains unclear.

NM_024642.5(GALNT12):c.1155A>T (p.Glu385Asp)

Gene: GALNT12 (polypeptide N-acetylgalactosaminyltransferase 12; plus strand). Cytogenetic location: 9q22.33.
Variant type: single nucleotide variant.
Coding change: c.1155A>T on transcript NM_024642.5 (MANE Select); coding-DNA position 1155, A replaced by T.
Protein change: p.Glu385Asp; replaces glutamic acid 385 with aspartic acid.
Molecular consequence: missense variant.
Genome position (GRCh38, 1-based): chr9:98,837,091, A>T. VCF-style: chr9-98837091-A-T. GRCh37 (hg19) VCF-style: chr9-101599373-A-T.
Other names: short protein forms E385D.
Identifiers: ClinVar variation 5022141 (VCV005022141.1).